The following is an entry in ClinVar:

NM_022835.3(PLEKHG2):c.682C>G (p.Pro228Ala)

Gene: PLEKHG2 (pleckstrin homology and RhoGEF domain containing G2; plus strand). Cytogenetic location: 19q13.2.
Variant type: single nucleotide variant.
Coding change: c.682C>G on transcript NM_022835.3 (MANE Select); coding-DNA position 682, C replaced by G.
Protein change: p.Pro228Ala; replaces proline 228 with alanine.
Molecular consequence: missense variant.
Genome position (GRCh38, 1-based): chr19:39,416,938, C>G. VCF-style: chr19-39416938-C-G. GRCh37 (hg19) VCF-style: chr19-39907578-C-G.
Other names: c.505C>G, p.Pro169Ala (NM_001351693.2); c.682C>G, p.Pro228Ala (NM_001351694.2); short protein forms P169A, P228A.
Identifiers: ClinVar variation 1513877 (VCV001513877.6), dbSNP rs549292972, ClinGen allele CA9429211.

ClinVar aggregate classification (germline): Uncertain significance (1 of 4 stars; one submission).

Allele frequency attached by ClinVar (database versions not stated): gnomAD exomes below 0.00001; ExAC 0.00001; gnomAD 0.00001; 1000 Genomes Project 30x 0.00016; 1000 Genomes Project 0.00020.
gnomAD v4.1: 3 of 1,613,470 alleles (0.00019%); highest among the groups gnomAD compares: Non-Finnish European, 0.00017%; no homozygotes.

Submission:

Labcorp Genetics (formerly Invitae), Labcorp
Classification: Uncertain significance. Last evaluated: 2024-12-02. Review status: criteria provided, single submitter. Criteria: Invitae Variant Classification Sherloc (09022015). Collection method: clinical testing. Allele origin: germline.
Comment: This sequence change replaces proline, which is neutral and non-polar, with alanine, which is neutral and non-polar, at codon 228 of the PLEKHG2 protein (p.Pro228Ala). This variant is present in population databases (rs549292972, gnomAD 0.0009%). This variant has not been reported in the literature in individuals affected with PLEKHG2-related conditions. ClinVar contains an entry for this variant (Variation ID: 1513877). An algorithm developed to predict the effect of missense changes on protein structure and function (PolyPhen-2) suggests that this variant is likely to be disruptive. In summary, the available evidence is currently insufficient to determine the role of this variant in disease. Therefore, it has been classified as a Variant of Uncertain Significance.